The following is an entry in ClinVar:

ClinVar aggregate classification (germline): Uncertain significance. Review status: criteria provided, multiple submitters, no conflicts (2 of 4 stars). 4 submissions from 4 submitters: Uncertain significance (3). 1 of the submissions does not count toward it. Last evaluated 2025-08-14.

Conditions:
Inborn genetic diseases. Identifiers: MedGen C0950123, MeSH D030342.
Peroxisome biogenesis disorder 6A (Zellweger). Also called: Peroxisome biogenesis disorder 6A. Identifiers: Orphanet 912, MedGen C3553947, MONDO:0013936, OMIM 614870.
Peroxisome biogenesis disorder 6B (PBD6B). Identifiers: Orphanet 44, MedGen C3553948, MONDO:0013937, OMIM 614871.
Peroxisome biogenesis disorder, complementation group 7 (CG7). Also called: Peroxisome biogenesis disorder, complementation group B. Identifiers: MedGen C1864399.

Allele frequency attached by ClinVar (database versions not stated): gnomAD exomes 0.00002 and 0.00003; ExAC 0.00003; TOPMed 0.00004; gnomAD 0.00009.
gnomAD v4.1: 41 of 1,608,322 alleles (0.0025%); highest among the groups gnomAD compares: East Asian, 0.02%; no homozygotes.

Submissions (4):

Ambry Genetics
Classification: Uncertain significance for Inborn genetic diseases. Last evaluated: 2025-08-14. Review status: criteria provided, single submitter. Criteria: Ambry Variant Classification Scheme 2023. Collection method: clinical testing. Allele origin: germline.

Labcorp Genetics (formerly Invitae), Labcorp
Classification: Uncertain significance for Peroxisome biogenesis disorder, complementation group 7. Last evaluated: 2023-12-18. Review status: criteria provided, single submitter. Criteria: Invitae Variant Classification Sherloc (09022015). Collection method: clinical testing. Allele origin: germline.
Comment: This sequence change replaces glycine, which is neutral and non-polar, with serine, which is neutral and polar, at codon 274 of the PEX10 protein (p.Gly274Ser). This variant is present in population databases (rs761942658, gnomAD 0.02%). This variant has not been reported in the literature in individuals affected with PEX10-related conditions. ClinVar contains an entry for this variant (Variation ID: 296275). Algorithms developed to predict the effect of missense changes on protein structure and function output the following: SIFT: "Not Available"; PolyPhen-2: "Benign"; Align-GVGD: "Not Available". The serine amino acid residue is found in multiple mammalian species, which suggests that this missense change does not adversely affect protein function. In summary, the available evidence is currently insufficient to determine the role of this variant in disease. Therefore, it has been classified as a Variant of Uncertain Significance.

Illumina Laboratory Services, Illumina
Classification: Uncertain significance for Peroxisome biogenesis disorder 6A (Zellweger). Last evaluated: 2018-01-12. Review status: criteria provided, single submitter. Criteria: ICSL Variant Classification Criteria 13 December 2019. Collection method: clinical testing. Allele origin: germline.

Counsyl
Classification: Uncertain significance for Peroxisome biogenesis disorder 6A (Zellweger); Peroxisome biogenesis disorder 6B. Last evaluated: 2017-08-25. Review status: no assertion criteria provided. Collection method: clinical testing. Allele origin: unknown. Not counted in ClinVar's aggregate classification.

NM_002617.4(PEX10):c.760G>A (p.Gly254Ser)

Gene: PEX10 (peroxisomal biogenesis factor 10; minus strand). Cytogenetic location: 1p36.32.
Variant type: single nucleotide variant.
Coding change: c.760G>A on transcript NM_002617.4 (MANE Select); coding-DNA position 760, G replaced by A.
Protein change: p.Gly254Ser; replaces glycine 254 with serine.
Molecular consequence: missense variant. On other transcripts: non-coding transcript variant (1).
Genome position (GRCh38, 1-based): chr1:2,406,736, C>T on the plus strand (G>A on the coding strand, the complement: PEX10 is on the minus strand). VCF-style: chr1-2406736-C-T. GRCh37 (hg19) VCF-style: chr1-2338175-C-T.
Other names: c.817G>A, p.Gly273Ser (NM_001374425.1); c.385G>A, p.Gly129Ser (NM_001374426.1); c.328G>A, p.Gly110Ser (NM_001374427.1); c.820G>A, p.Gly274Ser (NM_153818.2); short protein forms G274S, G254S, G110S, G129S, G273S.
Identifiers: ClinVar variation 296275 (VCV000296275.9), dbSNP rs761942658, ClinGen allele CA538045.